The following is an entry in ClinVar:

NC_000003.12:g.136430297_136541880dup

Gene: STAG1 (STAG1 cohesin complex component; minus strand). Cytogenetic location: 3q22.3.
Variant type: Duplication.
Identifiers: ClinVar variation 156880 (VCV000156880.3).

ClinVar aggregate classification (germline): not provided (0 of 4 stars; one submission).

Conditions:
Normal pregnancy. Identifiers: MedGen C0232989.

Submission:

Institute of Molecular and Cell Biology, University of Tartu
No classification provided. Condition: Normal pregnancy. Review status: no classification provided. Collection method: case-control. Allele origin: unknown. Affected: yes. Study: Kasak2014.
Comment: The study aimed to determine the contribution of copy number variants in the genetic etiology of normal and complicated pregnancies. The samples represented (i) maternal blood DNA drawn from healthy pregnant women during 1st or 2nd trimester and (ii) maternal and paternal blood DNA drawn at term pregnancy cases representing normal and complicated gestations (severe preeclampsia, PE; gestational diabetes, GD; small-for-gestational age newborn, SGA; large-for-gestational age newborn, LGA). We performed CNV calling based on genome-wide genotyping dataset (Illumina HumanOmniExpress-24-v1 BeadChip) by applying three algorithms, QuantiSNP, GADA (Genome Alteration Detection Algorithm) and CNstream in parallel. The acquired CNV calls were merged with HD-CNV (Hotspot Detector for Copy Number Variants) program and only the CNVs predicted by at least two programs, were considered in subsequent analysis.

Literature cited by the submitters: PubMed 25666259.